The following is an entry in ClinVar:

ClinVar aggregate classification (germline): Uncertain significance (1 of 4 stars; one submission).

Conditions:
Congenital myasthenic syndrome 20. Also called: Myasthenic syndrome, congenital, 20, presynaptic. Identifiers: MedGen C4310694, MONDO:0014939, OMIM 617143.

Submission:

3billion
Classification: Uncertain significance for Congenital myasthenic syndrome 20. Last evaluated: 2024-11-15. Review status: criteria provided, single submitter. Criteria: ACMG Guidelines, 2015. Collection method: clinical testing. Allele origin: germline. Affected: yes.
Comment: The variant is not observed in the gnomAD v4.1.0 dataset. Predicted Consequence/Location: Intron variant In silico tools predict the variant to alter splicing and produce an abnormal transcript [SpliceAI: 0.20 (>=0.2, moderate evidence for spliceogenicity)]. Therefore, this variant is classified as VUS according to the recommendation of ACMG/AMP guideline.

NM_021815.5(SLC5A7):c.597+16C>G

Gene: SLC5A7 (solute carrier family 5 member 7; plus strand). Cytogenetic location: 2q12.3.
Variant type: single nucleotide variant.
Coding change: c.597+16C>G on transcript NM_021815.5 (MANE Select); 16 bases into the intron after coding-DNA position 597, C replaced by G.
Molecular consequence: intron variant.
Genome position (GRCh38, 1-based): chr2:107,998,002, C>G. VCF-style: chr2-107998002-C-G. GRCh37 (hg19) VCF-style: chr2-108614458-C-G.
Other names: c.-108+16C>G (NM_001305007.3); c.597+16C>G (NM_001305005.3); c.282+16C>G (NM_001305006.3).
Identifiers: ClinVar variation 4292665 (VCV004292665.1).